The following is an entry in ClinVar:

NM_000089.4(COL1A2):c.1350+11A>G

Gene: COL1A2 (collagen type I alpha 2 chain; plus strand). Cytogenetic location: 7q21.3.
Variant type: single nucleotide variant.
Coding change: c.1350+11A>G on transcript NM_000089.4 (MANE Select); 11 bases into the intron after coding-DNA position 1350, A replaced by G.
Molecular consequence: intron variant.
Genome position (GRCh38, 1-based): chr7:94,411,165, A>G. VCF-style: chr7-94411165-A-G. GRCh37 (hg19) VCF-style: chr7-94040477-A-G.
Identifiers: ClinVar variation 3753401 (VCV003753401.3).

ClinVar aggregate classification (germline): Likely benign. Review status: criteria provided, multiple submitters, no conflicts (2 of 4 stars). 2 submissions from 2 submitters: Likely benign (2). Last evaluated 2025-06-16.

Conditions:
Ehlers-Danlos syndrome, classic type, 1 (EDSCL1). Also called: EHLERS-DANLOS SYNDROME, GRAVIS TYPE; EHLERS-DANLOS SYNDROME, SEVERE CLASSIC TYPE; Ehlers-Danlos syndrome, type 1; Ehlers-Danlos Syndrome, Classic Type, COL5A1-Related; EDS I. Identifiers: MedGen C0268335, MONDO:0019567, OMIM 130000.
Osteogenesis imperfecta type I (OI1). Also called: OI, TYPE I; OSTEOGENESIS IMPERFECTA TARDA; OSTEOGENESIS IMPERFECTA WITH BLUE SCLERAE; Osteogenesis imperfecta type 1; Lobstein's Disease; Lobstein disease. Identifiers: Orphanet 216796, Orphanet 666, MedGen C0023931, MONDO:0008146, OMIM 166200. Disease mechanism: loss of function.

gnomAD v4.1: 3 of 1,559,714 alleles (0.00019%); highest among the groups gnomAD compares: Non-Finnish European, 0.00026%; no homozygotes.

Submissions (2):

Women's Health and Genetics/Laboratory Corporation of America, LabCorp
Classification: Likely benign. Last evaluated: 2025-06-16. Review status: criteria provided, single submitter. Criteria: LabCorp Variant Classification Summary - May 2015. Collection method: clinical testing. Allele origin: germline.
Comment: Variant summary: COL1A2 c.1350+11A>G alters a nucleotide located at a position not widely known to affect splicing. Consensus agreement among computation tools predict no significant impact on normal splicing. However, these predictions have yet to be confirmed by functional studies. The variant was absent in 177696 control chromosomes. The available data on variant occurrences in the general population are insufficient to allow any conclusion about variant significance. To our knowledge, no occurrence of c.1350+11A>G in individuals affected with Ehlers-Danlos syndrome, cardiac valvular type and no experimental evidence demonstrating its impact on protein function have been reported. ClinVar contains an entry for this variant (Variation ID: 3753401). Based on the evidence outlined above, the variant was classified as likely benign.

Labcorp Genetics (formerly Invitae), Labcorp
Classification: Likely benign for Osteogenesis imperfecta type I; Ehlers-Danlos syndrome, classic type, 1. Last evaluated: 2024-12-10. Review status: criteria provided, single submitter. Criteria: Invitae Variant Classification Sherloc (09022015). Collection method: clinical testing. Allele origin: germline.